The following is an entry in ClinVar:

NM_000038.6(APC):c.2623A>G (p.Lys875Glu)

Gene: APC (APC regulator of Wnt signaling pathway; plus strand). Cytogenetic location: 5q22.2.
Variant type: single nucleotide variant.
Coding change: c.2623A>G on transcript NM_000038.6 (MANE Select); coding-DNA position 2623, A replaced by G.
Protein change: p.Lys875Glu; replaces lysine 875 with glutamic acid.
Molecular consequence: missense variant.
Genome position (GRCh38, 1-based): chr5:112,838,217, A>G. VCF-style: chr5-112838217-A-G. GRCh37 (hg19) VCF-style: chr5-112173914-A-G.
Other names: c.2623A>G, p.Lys875Glu (NM_001127510.3, NM_001354895.2); c.2569A>G, p.Lys857Glu (NM_001127511.3); c.2677A>G, p.Lys893Glu (NM_001354896.2); c.2653A>G, p.Lys885Glu (NM_001354897.2); c.2548A>G, p.Lys850Glu (NM_001354898.2); c.2539A>G, p.Lys847Glu (NM_001354899.2); c.2500A>G, p.Lys834Glu (NM_001354900.2); c.2446A>G, p.Lys816Glu (NM_001354901.2); and 5 more; short protein forms K774E, K784E, K857E, K592E, K749E, K816E, K847E, K715E.
Identifiers: ClinVar variation 802140 (VCV000802140.9), dbSNP rs1580624931, ClinGen allele CA16027070.

ClinVar aggregate classification (germline): Uncertain significance. Review status: criteria provided, multiple submitters, no conflicts (2 of 4 stars). 3 submissions from 3 submitters: Uncertain significance (3). Last evaluated 2024-01-11.

Conditions:
Familial adenomatous polyposis 1 (FAP1). Also called: POLYPOSIS, ADENOMATOUS INTESTINAL; FAMILIAL ADENOMATOUS POLYPOSIS 1, ATTENUATED. Identifiers: MedGen C2713442, MONDO:0021056, OMIM 175100. Disease mechanism: loss of function.
Classic or attenuated familial adenomatous polyposis. Identifiers: MedGen CN372698, MONDO:0021057.

Submissions (3):

All of Us Research Program, National Institutes of Health
Classification: Uncertain significance for Classic or attenuated familial adenomatous polyposis. Last evaluated: 2024-01-11. Review status: criteria provided, single submitter. Criteria: ACMG Guidelines, 2015. Collection method: clinical testing. Allele origin: germline. Inheritance: Autosomal dominant inheritance. Observed: 1 variant allele, 1 heterozygote.
Comment: This study involves interpretation of variants in research participants for the purpose of population health screening. Participant phenotype was not available at the time of variant classification. Additional details can be found in publication PMID: 35346344, PMCID: PMC8962531

Labcorp Genetics (formerly Invitae), Labcorp
Classification: Uncertain significance for Familial adenomatous polyposis 1. Last evaluated: 2023-12-21. Review status: criteria provided, single submitter. Criteria: Invitae Variant Classification Sherloc (09022015). Collection method: clinical testing. Allele origin: germline.
Comment: This sequence change replaces lysine, which is basic and polar, with glutamic acid, which is acidic and polar, at codon 875 of the APC protein (p.Lys875Glu). This variant is not present in population databases (gnomAD no frequency). This variant has not been reported in the literature in individuals affected with APC-related conditions. ClinVar contains an entry for this variant (Variation ID: 802140). Advanced modeling of protein sequence and biophysical properties (such as structural, functional, and spatial information, amino acid conservation, physicochemical variation, residue mobility, and thermodynamic stability) performed at Invitae indicates that this missense variant is not expected to disrupt APC protein function with a negative predictive value of 95%. In summary, the available evidence is currently insufficient to determine the role of this variant in disease. Therefore, it has been classified as a Variant of Uncertain Significance.

Mendelics
Classification: Uncertain significance for Familial adenomatous polyposis 1. Last evaluated: 2019-05-28. Review status: criteria provided, single submitter. Criteria: Mendelics Assertion Criteria 2017. Collection method: clinical testing. Allele origin: unknown.